The following is an entry in ClinVar:

ClinVar aggregate classification (germline): Uncertain significance. Review status: criteria provided, multiple submitters, no conflicts (2 of 4 stars). 3 submissions from 3 submitters: Uncertain significance (3). Last evaluated 2025-10-13.

Conditions:
Mitochondrial complex II deficiency, nuclear type 1. Also called: SUCCINATE CoQ REDUCTASE DEFICIENCY. Identifiers: Orphanet 3208, MedGen C5700310, MONDO:0100294, OMIM 252011.
Dilated cardiomyopathy 1GG (CMD1GG). Identifiers: Orphanet 154, MedGen C3150898, MONDO:0013339, OMIM 613642.
Neurodegeneration with ataxia and late-onset optic atrophy. Identifiers: MedGen C5543254, MONDO:0031006, OMIM 619259.
Pheochromocytoma/paraganglioma syndrome 5. Also called: Paragangliomas 5; SDHA-Related Hereditary Paraganglioma-Pheochromocytoma Syndrome. Identifiers: Orphanet 29072, MedGen C3279992, MONDO:0013602, OMIM 614165.
Hereditary cancer-predisposing syndrome. Also called: Neoplastic Syndromes, Hereditary; Hereditary Cancer Syndrome; Hereditary neoplastic syndrome; Tumor predisposition. Identifiers: Orphanet 140162, MedGen C0027672, MeSH D009386, MONDO:0015356.

Allele frequency attached by ClinVar (database versions not stated): gnomAD exomes 0.00001; TOPMed 0.00002.

Submissions (3):

Labcorp Genetics (formerly Invitae), Labcorp
Classification: Uncertain significance for Pheochromocytoma/paraganglioma syndrome 5; Mitochondrial complex II deficiency, nuclear type 1. Last evaluated: 2025-10-13. Review status: criteria provided, single submitter. Criteria: Invitae Variant Classification Sherloc (09022015). Collection method: clinical testing. Allele origin: germline.
Comment: This sequence change replaces tyrosine, which is neutral and polar, with histidine, which is basic and polar, at codon 543 of the SDHA protein (p.Tyr543His). This variant is present in population databases (no rsID available, gnomAD 0.002%). This variant has not been reported in the literature in individuals affected with SDHA-related conditions. ClinVar contains an entry for this variant (Variation ID: 472347). Invitae Evidence Modeling of protein sequence and biophysical properties (such as structural, functional, and spatial information, amino acid conservation, physicochemical variation, residue mobility, and thermodynamic stability) indicates that this missense variant is not expected to disrupt SDHA protein function with a negative predictive value of 95%. In summary, the available evidence is currently insufficient to determine the role of this variant in disease. Therefore, it has been classified as a Variant of Uncertain Significance.

Ambry Genetics
Classification: Uncertain significance for Hereditary cancer-predisposing syndrome. Last evaluated: 2025-07-13. Review status: criteria provided, single submitter. Criteria: Ambry Variant Classification Scheme 2023. Collection method: clinical testing. Allele origin: germline.
Comment: The p.Y543H variant (also known as c.1627T>C), located in coding exon 12 of the SDHA gene, results from a T to C substitution at nucleotide position 1627. The tyrosine at codon 543 is replaced by histidine, an amino acid with similar properties. This amino acid position is highly conserved in available vertebrate species. In addition, the in silico prediction for this alteration is inconclusive. Since supporting evidence is limited at this time, the clinical significance of this alteration remains unclear.

Fulgent Genetics
Classification: Uncertain significance for Mitochondrial complex II deficiency, nuclear type 1; Dilated cardiomyopathy 1GG; Pheochromocytoma/paraganglioma syndrome 5; Neurodegeneration with ataxia and late-onset optic atrophy. Last evaluated: 2021-09-01. Review status: criteria provided, single submitter. Criteria: ACMG Guidelines, 2015. Collection method: clinical testing. Allele origin: unknown.

NM_004168.4(SDHA):c.1627T>C (p.Tyr543His)

Gene: SDHA (succinate dehydrogenase complex flavoprotein subunit A; plus strand). Cytogenetic location: 5p15.33.
Variant type: single nucleotide variant.
Coding change: c.1627T>C on transcript NM_004168.4 (MANE Select); coding-DNA position 1627, T replaced by C.
Protein change: p.Tyr543His; replaces tyrosine 543 with histidine.
Molecular consequence: missense variant. On other transcripts: intron variant (1).
Genome position (GRCh38, 1-based): chr5:251,067, T>C. VCF-style: chr5-251067-T-C. GRCh37 (hg19) VCF-style: chr5-251182-T-C.
Other names: c.1483T>C, p.Tyr495His (NM_001294332.2); c.1552-3326T>C (NM_001330758.2); short protein forms Y543H, Y495H.
Identifiers: ClinVar variation 472347 (VCV000472347.17), dbSNP rs1339009840, ClinGen allele CA358998693.